The following is an entry in ClinVar:

ClinVar aggregate classification (germline): Pathogenic (1 of 4 stars; one submission).

Conditions:
Chédiak-Higashi syndrome (CHS). Also called: Chediak-Higashi Syndrome. Identifiers: Orphanet 167, MedGen C0007965, MONDO:0008963, OMIM 214500.

Submission:

Labcorp Genetics (formerly Invitae), Labcorp
Classification: Pathogenic for Chédiak-Higashi syndrome. Last evaluated: 2023-01-30. Review status: criteria provided, single submitter. Criteria: Invitae Variant Classification Sherloc (09022015). Collection method: clinical testing. Allele origin: germline.
Comment: This sequence change creates a premature translational stop signal (p.Arg325Lysfs*16) in the LYST gene. It is expected to result in an absent or disrupted protein product. Loss-of-function variants in LYST are known to be pathogenic (PMID: 9215679, 11857544). This variant is not present in population databases (gnomAD no frequency). This variant has not been reported in the literature in individuals affected with LYST-related conditions. For these reasons, this variant has been classified as Pathogenic.

Literature cited by the submitters: PubMed 9215679; PubMed 11857544.

NM_000081.4(LYST):c.973dup (p.Arg325fs)

Gene: LYST (lysosomal trafficking regulator; minus strand). Cytogenetic location: 1q42.3.
Variant type: Duplication.
Coding change: c.973dup on transcript NM_000081.4 (MANE Select); coding-DNA position 973, one base duplicated (A; older notation c.973dupA).
Protein change: p.Arg325fs; shifts the reading frame from arginine 325.
Molecular consequence: frameshift variant.
Genome position (GRCh38, 1-based): chr1:235,809,845, T duplicated on the plus strand (A on the coding strand, the reverse complement: LYST is on the minus strand); the first of 3 consecutive T bases (chr1:235,809,845-235,809,847); duplicating any one gives the same sequence. VCF-style (leftmost placement, unchanged base first): chr1-235809844-C-CT. GRCh37 (hg19) VCF-style: chr1-235973144-C-CT.
Other names: c.973dup, p.Arg325fs (NM_001301365.1); short protein forms R325fs.
Identifiers: ClinVar variation 2822344 (VCV002822344.3), dbSNP rs2527122347, ClinGen allele CA2739274001.